The following is an entry in ClinVar:

ClinVar aggregate classification (germline): Uncertain significance. Review status: criteria provided, multiple submitters, no conflicts (2 of 4 stars). 2 submissions from 2 submitters: Uncertain significance (2). Last evaluated 2025-03-26.

Conditions:
Inborn genetic diseases. Identifiers: MedGen C0950123, MeSH D030342.

Allele frequency attached by ClinVar (database versions not stated): TOPMed 0.00003.

Submissions (2):

Ambry Genetics
Classification: Uncertain significance for Inborn genetic diseases. Last evaluated: 2025-03-26. Review status: criteria provided, single submitter. Criteria: Ambry Variant Classification Scheme 2023. Collection method: clinical testing. Allele origin: germline.

Labcorp Genetics (formerly Invitae), Labcorp
Classification: Uncertain significance. Last evaluated: 2023-08-10. Review status: criteria provided, single submitter. Criteria: Invitae Variant Classification Sherloc (09022015). Collection method: clinical testing. Allele origin: germline.
Comment: In summary, the available evidence is currently insufficient to determine the role of this variant in disease. Therefore, it has been classified as a Variant of Uncertain Significance. An algorithm developed to predict the effect of missense changes on protein structure and function (PolyPhen-2) suggests that this variant¬†is likely to be tolerated. ClinVar contains an entry for this variant (Variation ID: 1041264). This variant has not been reported in the literature in individuals affected with CNGA1-related conditions. This variant is not present in population databases (gnomAD no frequency). This sequence change replaces methionine, which is neutral and non-polar, with threonine, which is neutral and polar, at codon 182 of the CNGA1 protein (p.Met182Thr).

NM_001379270.1(CNGA1):c.533T>C (p.Met178Thr)

Genes: CNGA1 (cyclic nucleotide gated channel subunit alpha 1; minus strand), LOC101927157 (uncharacterized LOC101927157; plus strand). Cytogenetic location: 4p12.
Variant type: single nucleotide variant.
Coding change: c.533T>C on transcript NM_001379270.1 (MANE Select); coding-DNA position 533, T replaced by C.
Protein change: p.Met178Thr; replaces methionine 178 with threonine.
Molecular consequence: missense variant.
Genome position (GRCh38, 1-based): chr4:47,942,053, A>G on the plus strand (T>C on the coding strand, the complement: CNGA1 is on the minus strand). VCF-style: chr4-47942053-A-G. GRCh37 (hg19) VCF-style: chr4-47944070-A-G.
Other names: c.533T>C, p.Met178Thr (NM_000087.5, NM_001142564.2); c.545T>C (NM_000087.3); short protein forms M178T.
Identifiers: ClinVar variation 1041264 (VCV001041264.5), dbSNP rs192411346, ClinGen allele CA356831415.